The following is an entry in ClinVar:

ClinVar aggregate classification (germline): Uncertain significance (1 of 4 stars; one submission).

Conditions:
Congenital prothrombin deficiency. Also called: HYPOPROTHROMBINEMIA; Factor II deficiency; Hereditary factor II deficiency disease; Inherited hypoprothrombinemia; Congenital factor II deficiency; Inherited prothrombin deficiency. Identifiers: Orphanet 325, MedGen C0272317, MONDO:0013361, OMIM 613679.

gnomAD v4.1: 1 of 1,613,458 alleles (0.000062%); no homozygotes.

Submission:

Labcorp Genetics (formerly Invitae), Labcorp
Classification: Uncertain significance for Congenital prothrombin deficiency. Last evaluated: 2025-06-08. Review status: criteria provided, single submitter. Criteria: Invitae Variant Classification Sherloc (09022015). Collection method: clinical testing. Allele origin: germline.
Comment: This sequence change falls in intron 4 of the F2 gene. It does not directly change the encoded amino acid sequence of the F2 protein. It affects a nucleotide within the consensus splice site. This variant is present in population databases (no rsID available, gnomAD no frequency). This variant has not been reported in the literature in individuals affected with F2-related conditions. Variants that disrupt the consensus splice site are a relatively common cause of aberrant splicing (PMID: 17576681, 9536098). Algorithms developed to predict the effect of sequence changes on RNA splicing suggest that this variant is not likely to affect RNA splicing. In summary, the available evidence is currently insufficient to determine the role of this variant in disease. Therefore, it has been classified as a Variant of Uncertain Significance.

Literature cited by the submitters: PubMed 17576681; PubMed 9536098.

NM_000506.5(F2):c.316+6C>A

Gene: F2 (coagulation factor II, thrombin; plus strand). Cytogenetic location: 11p11.2.
Variant type: single nucleotide variant.
Coding change: c.316+6C>A on transcript NM_000506.5 (MANE Select); 6 bases into the intron after coding-DNA position 316, C replaced by A.
Molecular consequence: intron variant.
Genome position (GRCh38, 1-based): chr11:46,720,846, C>A. VCF-style: chr11-46720846-C-A. GRCh37 (hg19) VCF-style: chr11-46742396-C-A.
Identifiers: ClinVar variation 4753559 (VCV004753559.1).